The following is an entry in ClinVar:

NM_152722.5(HEPACAM):c.980del (p.Pro327fs)

Gene: HEPACAM (hepatic and glial cell adhesion molecule; minus strand). Cytogenetic location: 11q24.2.
Variant type: Deletion.
Coding change: c.980del on transcript NM_152722.5 (MANE Select); coding-DNA position 980, one base deleted (C; older notation c.980delC).
Protein change: p.Pro327fs; shifts the reading frame from proline 327.
Molecular consequence: frameshift variant.
Genome position (GRCh38, 1-based): chr11:124,921,409, G deleted on the plus strand (C on the coding strand, the reverse complement: HEPACAM is on the minus strand); the first of 4 consecutive G bases (chr11:124,921,409-124,921,412); deleting any one gives the same sequence. VCF-style (leftmost placement, unchanged base first): chr11-124921408-CG-C. GRCh37 (hg19) VCF-style: chr11-124791304-CG-C.
Other names: short protein forms P327fs.
Identifiers: ClinVar variation 419081 (VCV000419081.2), dbSNP rs1064793629, ClinGen allele CA16619288.

ClinVar aggregate classification (germline): Pathogenic (1 of 4 stars; one submission).

Submission:

GeneDx
Classification: Pathogenic. Last evaluated: 2015-06-02. Review status: criteria provided, single submitter. Criteria: GeneDx Variant Classification (06012015). Collection method: clinical testing. Allele origin: germline. Affected: yes.
Comment: The c.980delC deletion in the HEPACAM gene has not been reported previously as a pathogenic variant nor as a benign polymorphism, to our knowledge. The c.980delC deletion is predicted tocause loss of normal protein function through protein truncation. The c.980delC variant was not observed inapproximately 4800 individuals of European and African American ancestry in the NHLBI Exome SequencingProject, indicating it is not a common benign variant in these populations. We interpret c.980delC as a pathogenic variant.